The following is an entry in ClinVar:

ClinVar aggregate classification (germline): Uncertain significance (1 of 4 stars; one submission).

Conditions:
Ataxia-telangiectasia syndrome (AT). Also called: ATAXIA-TELANGIECTASIA, FRESNO VARIANT; Ataxia-telangiectasia, complementation group E; ATAXIA-TELANGIECTASIA, COMPLEMENTATION GROUP A; LOUIS-BAR SYNDROME; Ataxia-telangiectasia, complementation group D; AT, COMPLEMENTATION GROUP C. Identifiers: Orphanet 100, MedGen C0004135, MONDO:0008840, OMIM 208900.

Submission:

Labcorp Genetics (formerly Invitae), Labcorp
Classification: Uncertain significance for Ataxia-telangiectasia syndrome. Last evaluated: 2020-07-13. Review status: criteria provided, single submitter. Criteria: Invitae Variant Classification Sherloc (09022015). Collection method: clinical testing. Allele origin: germline.
Comment: This variant is not present in population databases (ExAC no frequency). This variant has not been reported in the literature in individuals with ATM-related conditions. Algorithms developed to predict the effect of missense changes on protein structure and function (SIFT, PolyPhen-2, Align-GVGD) all suggest that this variant is likely to be tolerated, but these predictions have not been confirmed by published functional studies and their clinical significance is uncertain. Algorithms developed to predict the effect of sequence changes on RNA splicing suggest that this variant may create or strengthen a splice site, but this prediction has not been confirmed by published transcriptional studies. In summary, the available evidence is currently insufficient to determine the role of this variant in disease. Therefore, it has been classified as a Variant of Uncertain Significance. This sequence change replaces glycine with valine at codon 696 of the ATM protein (p.Gly696Val). The glycine residue is weakly conserved and there is a moderate physicochemical difference between glycine and valine.

NM_000051.4(ATM):c.2087G>T (p.Gly696Val)

Gene: ATM (ATM serine/threonine kinase; plus strand). Cytogenetic location: 11q22.3.
Variant type: single nucleotide variant.
Coding change: c.2087G>T on transcript NM_000051.4 (MANE Select); coding-DNA position 2087, G replaced by T.
Protein change: p.Gly696Val; replaces glycine 696 with valine.
Molecular consequence: missense variant.
Genome position (GRCh38, 1-based): chr11:108,254,002, G>T. VCF-style: chr11-108254002-G-T. GRCh37 (hg19) VCF-style: chr11-108124729-G-T.
Other names: c.2087G>T, p.Gly696Val (NM_001351834.2); short protein forms G696V.
Identifiers: ClinVar variation 1051352 (VCV001051352.9), dbSNP rs752550257, ClinGen allele CA382537609.